The following is an entry in ClinVar:

NM_001923.5(DDB1):c.158_159del (p.Lys53fs)

Gene: DDB1 (damage specific DNA binding protein 1; minus strand). Cytogenetic location: 11q12.2.
Variant type: Deletion.
Coding change: c.158_159del on transcript NM_001923.5 (MANE Select); coding-DNA positions 158 to 159, 2 bases deleted (AA; older notation c.158_159delAA).
Protein change: p.Lys53fs; shifts the reading frame from lysine 53.
Molecular consequence: frameshift variant.
Genome position (GRCh38, 1-based): chr11:61,331,594-61,331,595, TT deleted on the plus strand (AA on the coding strand, the reverse complement: DDB1 is on the minus strand); deleting any 2 consecutive bases within chr11:61,331,594-61,331,596 gives the same sequence; the c. name uses the placement nearest the transcript's 3' end. VCF-style (leftmost placement, unchanged base first): chr11-61331593-CTT-C. GRCh37 (hg19) VCF-style: chr11-61099065-CTT-C.
Other names: c.157_158delAA, p.Lys53Argfs (NM_001923.4); short protein forms K53fs.
Identifiers: ClinVar variation 5009346 (VCV005009346.1).
Genomic context (GRCh38, chr11:61,331,593, plus strand): 5'-CAACACTTACCTTGGGCCTGAAAAGCTCCATGACCGCAATCTTCCCATACATGCCCACCT[CTT>C]TGACGGGCCGAAGCCCCTCGGCGGTGACCACATAGATCTCTAATCTCGTGTTTTTGGCAA-3'

ClinVar aggregate classification (germline): Uncertain significance (1 of 4 stars; one submission).

Submission:

GeneDx
Classification: Uncertain significance. Last evaluated: 2026-03-17. Review status: criteria provided, single submitter. Criteria: GeneDx Variant Classification Process June 2021. Collection method: clinical testing. Allele origin: germline.
Comment: Not observed at significant frequency in large population cohorts (gnomAD); Frameshift variant predicted to result in protein truncation or nonsense mediated decay in a gene or region of a gene for which loss of function is not a well-established mechanism of disease; Has not been previously published as pathogenic or benign to our knowledge